The following is an entry in ClinVar:

NM_001242896.3(DEPDC5):c.4076A>T (p.Asp1359Val)

Gene: DEPDC5 (DEP domain containing 5, GATOR1 subcomplex subunit; plus strand). Cytogenetic location: 22q12.3.
Variant type: single nucleotide variant.
Coding change: c.4076A>T on transcript NM_001242896.3 (MANE Select); coding-DNA position 4076, A replaced by T.
Protein change: p.Asp1359Val; replaces aspartic acid 1359 with valine.
Molecular consequence: missense variant. On other transcripts: non-coding transcript variant (5).
Genome position (GRCh38, 1-based): chr22:31,893,624, A>T. VCF-style: chr22-31893624-A-T. GRCh37 (hg19) VCF-style: chr22-32289610-A-T.
Other names: c.4049A>T, p.Asp1350Val (NM_001136029.4); c.3776A>T, p.Asp1259Val (NM_001242897.2); c.4010A>T, p.Asp1337Val (NM_001363852.2, NM_001364320.2); c.3842A>T, p.Asp1281Val (NM_001363854.2, NM_001364319.2); c.4076A>T, p.Asp1359Val (NM_001364318.2); c.3992A>T, p.Asp1331Val (NM_001369901.1, NM_001369902.1); c.3983A>T, p.Asp1328Val (NM_001369903.1, NM_014662.6); short protein forms D1337V, D1259V, D1281V, D1328V, D1350V, D1359V, D1331V.
Identifiers: ClinVar variation 1737583 (VCV001737583.8), dbSNP rs769196883, ClinGen allele CA10197172.

ClinVar aggregate classification (germline): Uncertain significance. Review status: criteria provided, multiple submitters, no conflicts (2 of 4 stars). 3 submissions from 3 submitters: Uncertain significance (3). Last evaluated 2025-02-11.

Conditions:
Epilepsy, familial focal, with variable foci 1 (FFEVF1). Also called: DEPDC5-Related Epilepsy. Identifiers: MedGen C4551983, MONDO:0024556, OMIM 604364.
Familial focal epilepsy with variable foci (FPEVF). Identifiers: Orphanet 98820, MedGen C1858477, MONDO:0020310.
Inborn genetic diseases. Identifiers: MedGen C0950123, MeSH D030342.

Allele frequency attached by ClinVar (database versions not stated): gnomAD exomes below 0.00001; ExAC 0.00001.
gnomAD v4.1: 1 of 1,613,266 alleles (0.000062%); highest among the groups gnomAD compares: Non-Finnish European, 0.000085%; no homozygotes.

Submissions (3):

Department of Human Genetics, Hannover Medical School
Classification: Uncertain significance for Epilepsy, familial focal, with variable foci 1. Last evaluated: 2025-02-11. Review status: criteria provided, single submitter. Criteria: ACMG Guidelines, 2015. Collection method: clinical testing. Allele origin: germline. Affected: yes.
Comment: ACMG: PM2_Supporting, PP2, PP3

Labcorp Genetics (formerly Invitae), Labcorp
Classification: Uncertain significance for Familial focal epilepsy with variable foci. Last evaluated: 2023-06-05. Review status: criteria provided, single submitter. Criteria: Invitae Variant Classification Sherloc (09022015). Collection method: clinical testing. Allele origin: germline.
Comment: In summary, the available evidence is currently insufficient to determine the role of this variant in disease. Therefore, it has been classified as a Variant of Uncertain Significance. Experimental studies and prediction algorithms are not available or were not evaluated, and the functional significance of this variant is currently unknown. ClinVar contains an entry for this variant (Variation ID: 1737583). This variant has not been reported in the literature in individuals affected with DEPDC5-related conditions. This variant is not present in population databases (gnomAD no frequency). This sequence change replaces aspartic acid, which is acidic and polar, with valine, which is neutral and non-polar, at codon 1359 of the DEPDC5 protein (p.Asp1359Val).

Ambry Genetics
Classification: Uncertain significance for Inborn genetic diseases. Last evaluated: 2017-10-03. Review status: criteria provided, single submitter. Criteria: Ambry Variant Classification Scheme 2023. Collection method: clinical testing. Allele origin: germline.
Comment: The p.D1359V variant (also known as c.4076A>T), located in coding exon 38 of the DEPDC5 gene, results from an A to T substitution at nucleotide position 4076. The aspartic acid at codon 1359 is replaced by valine, an amino acid with highly dissimilar properties. This amino acid position is highly conserved in available vertebrate species. In addition, this alteration is predicted to be deleterious by in silico analysis. Since supporting evidence is limited at this time, the clinical significance of this alteration remains unclear.